The following is an entry in ClinVar:

NM_001378454.1(ALMS1):c.2713T>A (p.Ser905Thr)

Gene: ALMS1 (ALMS1 centrosome and basal body associated protein; plus strand). Cytogenetic location: 2p13.1.
Variant type: single nucleotide variant.
Coding change: c.2713T>A on transcript NM_001378454.1 (MANE Select); coding-DNA position 2713, T replaced by A.
Protein change: p.Ser905Thr; replaces serine 905 with threonine.
Molecular consequence: missense variant.
Genome position (GRCh38, 1-based): chr2:73,449,240, T>A. VCF-style: chr2-73449240-T-A. GRCh37 (hg19) VCF-style: chr2-73676367-T-A.
Other names: c.2716T>A, p.Ser906Thr (NM_015120.4); short protein forms S905T, S906T.
Identifiers: ClinVar variation 1500872 (VCV001500872.6), dbSNP rs1473358206, ClinGen allele CA347271437.

ClinVar aggregate classification (germline): Uncertain significance (1 of 4 stars; one submission).

Conditions:
Alstrom syndrome (ALMS). Identifiers: Orphanet 64, MedGen C0268425, MONDO:0008763, OMIM 203800.

Allele frequency attached by ClinVar (database versions not stated): gnomAD exomes below 0.00001; TOPMed below 0.00001; gnomAD 0.00001.
gnomAD v4.1: 5 of 1,613,976 alleles (0.00031%); highest among the groups gnomAD compares: Non-Finnish European, 0.00042%; no homozygotes.

Submission:

Labcorp Genetics (formerly Invitae), Labcorp
Classification: Uncertain significance for Alstrom syndrome. Last evaluated: 2021-06-26. Review status: criteria provided, single submitter. Criteria: Invitae Variant Classification Sherloc (09022015). Collection method: clinical testing. Allele origin: germline.
Comment: This sequence change replaces serine with threonine at codon 906 of the ALMS1 protein (p.Ser906Thr). The serine residue is moderately conserved and there is a small physicochemical difference between serine and threonine. This variant is not present in population databases (ExAC no frequency). This variant has not been reported in the literature in individuals affected with ALMS1-related conditions. Experimental studies and prediction algorithms are not available or were not evaluated, and the functional significance of this variant is currently unknown. In summary, the available evidence is currently insufficient to determine the role of this variant in disease. Therefore, it has been classified as a Variant of Uncertain Significance.